The following is an entry in ClinVar:

NM_001352514.2(HLCS):c.2087T>C (p.Val696Ala)

Gene: HLCS (holocarboxylase synthetase; minus strand). Cytogenetic location: 21q22.13.
Variant type: single nucleotide variant.
Coding change: c.2087T>C on transcript NM_001352514.2 (MANE Select); coding-DNA position 2087, T replaced by C.
Protein change: p.Val696Ala; replaces valine 696 with alanine.
Molecular consequence: missense variant. On other transcripts: non-coding transcript variant (2).
Genome position (GRCh38, 1-based): chr21:36,765,046, A>G on the plus strand (T>C on the coding strand, the complement: HLCS is on the minus strand). VCF-style: chr21-36765046-A-G. GRCh37 (hg19) VCF-style: chr21-38137347-A-G.
Other names: c.1646T>C, p.Val549Ala (NM_000411.8, NM_001242784.3, NM_001242785.2 and 4 more transcripts); short protein forms V549A, V696A.
Identifiers: ClinVar variation 2959955 (VCV002959955.3), dbSNP rs1195025540, ClinGen allele CA409920722.

ClinVar aggregate classification (germline): Uncertain significance (1 of 4 stars; one submission).

Conditions:
Holocarboxylase synthetase deficiency. Also called: MULTIPLE CARBOXYLASE DEFICIENCY, EARLY ONSET. Identifiers: Orphanet 79242, MedGen C0268581, MONDO:0009666, OMIM 253270.

gnomAD v4.1: 7 of 1,614,206 alleles (0.00043%); highest among the groups gnomAD compares: Admixed American, 0.0033%; no homozygotes.

Submission:

Labcorp Genetics (formerly Invitae), Labcorp
Classification: Uncertain significance for Holocarboxylase synthetase deficiency. Last evaluated: 2023-08-04. Review status: criteria provided, single submitter. Criteria: Invitae Variant Classification Sherloc (09022015). Collection method: clinical testing. Allele origin: germline.
Comment: This variant has not been reported in the literature in individuals affected with HLCS-related conditions. This variant is present in population databases (no rsID available, gnomAD 0.006%). This sequence change replaces valine, which is neutral and non-polar, with alanine, which is neutral and non-polar, at codon 549 of the HLCS protein (p.Val549Ala). Advanced modeling of protein sequence and biophysical properties (such as structural, functional, and spatial information, amino acid conservation, physicochemical variation, residue mobility, and thermodynamic stability) performed at Invitae indicates that this missense variant is not expected to disrupt HLCS protein function. In summary, the available evidence is currently insufficient to determine the role of this variant in disease. Therefore, it has been classified as a Variant of Uncertain Significance.